The following is an entry in ClinVar:

NM_001042492.3(NF1):c.520del (p.Val174fs)

Gene: NF1 (neurofibromin 1; plus strand). Cytogenetic location: 17q11.2.
Variant type: Deletion.
Coding change: c.520del on transcript NM_001042492.3 (MANE Select); coding-DNA position 520, one base deleted (G; older notation c.520delG).
Protein change: p.Val174fs; shifts the reading frame from valine 174.
Molecular consequence: frameshift variant.
Genome position (GRCh38, 1-based): chr17:31,169,931, G deleted. VCF-style (leftmost placement, unchanged base first): chr17-31169930-TG-T. GRCh37 (hg19) VCF-style: chr17-29496948-TG-T.
Other names: c.520delG (NM_000267.3); c.520delG, p.Val174Phefs (NM_000267.4); c.520del, p.Val174fs (NM_001128147.3); short protein forms V174fs.
Identifiers: ClinVar variation 1746093 (VCV001746093.4), dbSNP rs2544718974, ClinGen allele CA2580092977.

ClinVar aggregate classification (germline): Pathogenic. Review status: criteria provided, multiple submitters, no conflicts (2 of 4 stars). 2 submissions from 2 submitters: Pathogenic (2). Last evaluated 2024-04-30.

Conditions:
Cardiovascular phenotype. Identifiers: MedGen CN230736.
Hereditary cancer-predisposing syndrome. Also called: Neoplastic Syndromes, Hereditary; Tumor predisposition; Hereditary Cancer Syndrome; Hereditary neoplastic syndrome. Identifiers: Orphanet 140162, MedGen C0027672, MeSH D009386, MONDO:0015356.
Neurofibromatosis, type 1 (NF1). Also called: VON RECKLINGHAUSEN DISEASE; NEUROFIBROMATOSIS, TYPE I, SOMATIC; Neurofibromatosis, type I; Peripheral type neurofibromatosis. Identifiers: Orphanet 636, MedGen C0027831, MONDO:0018975, OMIM 162200. Disease mechanism: loss of function.

Submissions (2):

Labcorp Genetics (formerly Invitae), Labcorp
Classification: Pathogenic for Neurofibromatosis, type 1. Last evaluated: 2024-04-30. Review status: criteria provided, single submitter. Criteria: Invitae Variant Classification Sherloc (09022015). Collection method: clinical testing. Allele origin: germline.
Comment: This sequence change creates a premature translational stop signal (p.Val174Phefs*4) in the NF1 gene. It is expected to result in an absent or disrupted protein product. Loss-of-function variants in NF1 are known to be pathogenic (PMID: 10712197, 23913538). This variant is not present in population databases (gnomAD no frequency). This variant has not been reported in the literature in individuals affected with NF1-related conditions. ClinVar contains an entry for this variant (Variation ID: 1746093). For these reasons, this variant has been classified as Pathogenic.

Ambry Genetics
Classification: Pathogenic for Cardiovascular phenotype; Hereditary cancer-predisposing syndrome. Last evaluated: 2020-07-16. Review status: criteria provided, single submitter. Criteria: Ambry Variant Classification Scheme 2023. Collection method: clinical testing. Allele origin: germline.
Comment: The c.520delG pathogenic mutation, located in coding exon 5 of the NF1 gene, results from a deletion of one nucleotide at nucleotide position 520, causing a translational frameshift with a predicted alternate stop codon (p.V174Ffs*4). This alteration is expected to result in loss of function by premature protein truncation or nonsense-mediated mRNA decay. As such, this alteration is interpreted as a disease-causing mutation.

Literature cited by the submitters: PubMed 10712197 (cited by Labcorp Genetics (formerly Invitae), Labcorp); PubMed 23913538 (cited by Labcorp Genetics (formerly Invitae), Labcorp).